The following is an entry in ClinVar:

ClinVar aggregate classification (germline): Uncertain significance (1 of 4 stars; one submission).

gnomAD v4.1: 7 of 1,613,890 alleles (0.00043%); highest among the groups gnomAD compares: East Asian, 0.0067%; no homozygotes.

Submission:

Labcorp Genetics (formerly Invitae), Labcorp
Classification: Uncertain significance. Last evaluated: 2025-04-17. Review status: criteria provided, single submitter. Criteria: Invitae Variant Classification Sherloc (09022015). Collection method: clinical testing. Allele origin: germline.
Comment: This sequence change replaces glycine, which is neutral and non-polar, with valine, which is neutral and non-polar, at codon 888 of the FREM2 protein (p.Gly888Val). This variant is present in population databases (rs775756671, gnomAD 0.01%). This variant has not been reported in the literature in individuals affected with FREM2-related conditions. Invitae Evidence Modeling of protein sequence and biophysical properties (such as structural, functional, and spatial information, amino acid conservation, physicochemical variation, residue mobility, and thermodynamic stability) has been performed for this missense variant. However, the output from this modeling did not meet the statistical confidence thresholds required to predict the impact of this variant on FREM2 protein function. In summary, the available evidence is currently insufficient to determine the role of this variant in disease. Therefore, it has been classified as a Variant of Uncertain Significance.

NM_207361.6(FREM2):c.2663G>T (p.Gly888Val)

Gene: FREM2 (FRAS1 related extracellular matrix 2; plus strand). Cytogenetic location: 13q13.3.
Variant type: single nucleotide variant.
Coding change: c.2663G>T on transcript NM_207361.6 (MANE Select); coding-DNA position 2663, G replaced by T.
Protein change: p.Gly888Val; replaces glycine 888 with valine.
Molecular consequence: missense variant.
Genome position (GRCh38, 1-based): chr13:38,690,007, G>T. VCF-style: chr13-38690007-G-T. GRCh37 (hg19) VCF-style: chr13-39264144-G-T.
Other names: short protein forms G888V.
Identifiers: ClinVar variation 4751244 (VCV004751244.1).